The following is an entry in ClinVar:

NM_199461.4(NANOS1):c.231CTC[3] (p.Ser83del)

Genes: NANOS1 (nanos C2HC-type zinc finger 1; plus strand), LOC130004821 (ATAC-STARR-seq lymphoblastoid silent region 2865; plus strand). Cytogenetic location: 10q26.11.
Variant type: Microsatellite.
Coding change: c.231CTC[3] on transcript NM_199461.4 (MANE Select); three copies in a row of the 3-base unit CTC starting at c.231; the reference has four copies in a row; one copy, 3 bases deleted.
Protein change: p.Ser83del; deletes serine 83.
Molecular consequence: inframe deletion.
Genome position (GRCh38, 1-based): chr10:119,030,041-119,030,043, CTC deleted; deleting any 3 consecutive bases within chr10:119,030,031-119,030,043 gives the same sequence; the position shown is the placement nearest the transcript's 3' end. VCF-style (leftmost placement, unchanged base first): chr10-119030030-CCCT-C. GRCh37 (hg19) VCF-style: chr10-120789542-CCCT-C.
Other names: S78del; c.240_242delCTC (NM_199461.3); short protein forms S83del.
Identifiers: ClinVar variation 65390 (VCV000065390.35), dbSNP rs587777031, ClinGen allele CA144759.

ClinVar aggregate classification (germline): Benign. Review status: criteria provided, multiple submitters, no conflicts (2 of 4 stars). 5 submissions from 5 submitters: Benign (2). 3 of the submissions do not count toward it. Last evaluated 2025-11-01.

Conditions:
NANOS1-related disorder. Also called: NANOS1-related condition.
Spermatogenic failure 12 (SPGF12). Identifiers: MedGen C3809427, MONDO:0014172, OMIM 615413.

Submissions (5):

CeGaT Center for Human Genetics Tuebingen
Classification: Benign. Last evaluated: 2025-11-01. Review status: criteria provided, single submitter. Criteria: CeGaT Center For Human Genetics Tuebingen Variant Classification Criteria Version 2. Collection method: clinical testing. Allele origin: germline. Affected: yes. Observed: 5 variant alleles.
Comment: NANOS1: PM4:Supporting, BS1, BS2

Labcorp Genetics (formerly Invitae), Labcorp
Classification: Benign. Last evaluated: 2024-01-23. Review status: criteria provided, single submitter. Criteria: Invitae Variant Classification Sherloc (09022015). Collection method: clinical testing. Allele origin: germline.

PreventionGenetics, part of Exact Sciences
Classification: Likely benign for NANOS1-related condition. Last evaluated: 2021-03-16. Review status: no assertion criteria provided. Collection method: clinical testing. Allele origin: germline. Not counted in ClinVar's aggregate classification.
Comment: This variant is classified as likely benign based on ACMG/AMP sequence variant interpretation guidelines (Richards et al. 2015 PMID: 25741868, with internal and published modifications).

Reproductive Health Research and Development, BGI Genomics
Classification: Likely benign for Spermatogenic failure 12. Last evaluated: 2020-01-06. Review status: no assertion criteria provided. Collection method: curation. Allele origin: germline. Not counted in ClinVar's aggregate classification.
Comment: NM_199461.2:c.240_242delCTC in the NANOS1 gene has an allele frequency of 0.022 in European (Finnish) subpopulation in the gnomAD database. This in-frame deletion happens in a repetitive region without known function. Kusz-Zamelczyk et al. reported this variant as p.Pro77_Ser78delinsPro (PMID: 23315541). Using the quantitative yeast two-hybrid assay, the author tested both mutated NANOS1 alleles for interaction with GEMIN3, and found that the p.Pro34Thr, p.Pro77_Ser78delinsPro allele reduced interaction with GEMIN3 by 14% (PMID: 23315541). In one pedigree, the variant segregate with the phenotype. Taken together, we interprete this variant as Benign/Likely benign variant (PMID: 23315541). ACMG/AMP criteria applied: BS1, BP3.

OMIM
Classification: Pathogenic for SPERMATOGENIC FAILURE 12. Last evaluated: 2013-03-01. Review status: no assertion criteria provided. Collection method: literature only. Allele origin: germline. Not counted in ClinVar's aggregate classification.

Literature cited by the submitters: PubMed 23315541 (cited by OMIM).